The following is an entry in ClinVar:

ClinVar aggregate classification (germline): Conflicting classifications of pathogenicity. Review status: criteria provided, conflicting classifications (1 of 4 stars). 2 submissions from 2 submitters: Uncertain significance (1); Likely benign (1). Last evaluated 2025-09-25.

Conditions:
Inborn genetic diseases. Identifiers: MedGen C0950123, MeSH D030342.
Spastic paraplegia. Identifiers: MedGen C0037772, HP:0001258.

Allele frequency attached by ClinVar (database versions not stated): gnomAD exomes 0.00001 and below 0.00001; gnomAD 0.00001; ExAC 0.00002; ESP Exome Variant Server 0.00008.
gnomAD v4.1: 4 of 1,613,472 alleles (0.00025%); highest among the groups gnomAD compares: East Asian, 0.0022%; no homozygotes.

Submissions (2):

Ambry Genetics
Classification: Likely benign for Inborn genetic diseases. Last evaluated: 2025-09-25. Review status: criteria provided, single submitter. Criteria: Ambry Variant Classification Scheme 2023. Collection method: clinical testing. Allele origin: germline.

Labcorp Genetics (formerly Invitae), Labcorp
Classification: Uncertain significance for Spastic paraplegia. Last evaluated: 2023-12-21. Review status: criteria provided, single submitter. Criteria: Invitae Variant Classification Sherloc (09022015). Collection method: clinical testing. Allele origin: germline.
Comment: This sequence change replaces valine, which is neutral and non-polar, with alanine, which is neutral and non-polar, at codon 59 of the CYP7B1 protein (p.Val59Ala). This variant is present in population databases (rs369433292, gnomAD 0.006%). This variant has not been reported in the literature in individuals affected with CYP7B1-related conditions. ClinVar contains an entry for this variant (Variation ID: 1422793). Advanced modeling of protein sequence and biophysical properties (such as structural, functional, and spatial information, amino acid conservation, physicochemical variation, residue mobility, and thermodynamic stability) performed at Invitae indicates that this missense variant is not expected to disrupt CYP7B1 protein function with a negative predictive value of 80%. In summary, the available evidence is currently insufficient to determine the role of this variant in disease. Therefore, it has been classified as a Variant of Uncertain Significance.

NM_004820.5(CYP7B1):c.176T>C (p.Val59Ala)

Gene: CYP7B1 (cytochrome P450 family 7 subfamily B member 1; minus strand). Cytogenetic location: 8q12.3.
Variant type: single nucleotide variant.
Coding change: c.176T>C on transcript NM_004820.5 (MANE Select); coding-DNA position 176, T replaced by C.
Protein change: p.Val59Ala; replaces valine 59 with alanine.
Molecular consequence: missense variant.
Genome position (GRCh38, 1-based): chr8:64,624,486, A>G on the plus strand (T>C on the coding strand, the complement: CYP7B1 is on the minus strand). VCF-style: chr8-64624486-A-G. GRCh37 (hg19) VCF-style: chr8-65537043-A-G.
Other names: c.176T>C (NM_004820.3); c.176T>C, p.Val59Ala (NM_001324112.2); short protein forms V59A.
Identifiers: ClinVar variation 1422793 (VCV001422793.8), dbSNP rs369433292, ClinGen allele CA4764278.